The following is an entry in ClinVar:

ClinVar aggregate classification (germline): Uncertain significance (1 of 4 stars; one submission).

Allele frequency attached by ClinVar (database versions not stated): ExAC 0.00001; gnomAD 0.00001; gnomAD exomes 0.00001.

Submission:

Women's Health and Genetics/Laboratory Corporation of America, LabCorp
Classification: Uncertain significance. Last evaluated: 2024-03-09. Review status: criteria provided, single submitter. Criteria: LabCorp Variant Classification Summary - May 2015. Collection method: clinical testing. Allele origin: germline.
Comment: Variant summary: CP c.587C>T (p.Pro196Leu) results in a non-conservative amino acid change located in the Multicopper oxidase-like, N-terminal domain (IPR011707) of the encoded protein sequence. Five of five in-silico tools predict a damaging effect of the variant on protein function. The variant allele was found at a frequency of 4e-06 in 251344 control chromosomes. The available data on variant occurrences in the general population are insufficient to allow any conclusion about variant significance. To our knowledge, no occurrence of c.587C>T in individuals affected with Neurodegeneration With Brain Iron Accumulation/Aceruloplasminaemia and no experimental evidence demonstrating its impact on protein function have been reported. No submitters have cited clinical-significance assessments for this variant to ClinVar. Based on the evidence outlined above, the variant was classified as uncertain significance.

NM_000096.4(CP):c.587C>T (p.Pro196Leu)

Gene: CP (ceruloplasmin; minus strand). Cytogenetic location: 3q25.1.
Variant type: single nucleotide variant.
Coding change: c.587C>T on transcript NM_000096.4 (MANE Select); coding-DNA position 587, C replaced by T.
Protein change: p.Pro196Leu; replaces proline 196 with leucine.
Molecular consequence: missense variant. On other transcripts: non-coding transcript variant (1).
Genome position (GRCh38, 1-based): chr3:149,210,187, G>A on the plus strand (C>T on the coding strand, the complement: CP is on the minus strand). VCF-style: chr3-149210187-G-A. GRCh37 (hg19) VCF-style: chr3-148927974-G-A.
Other names: short protein forms P196L.
Identifiers: ClinVar variation 3233550 (VCV003233550.2), dbSNP rs386134124, ClinGen allele CA2661288.